The following is an entry in ClinVar:

ClinVar aggregate classification (germline): Conflicting classifications of pathogenicity. Review status: criteria provided, conflicting classifications (1 of 4 stars). 10 submissions from 10 submitters: Uncertain significance (5); Likely benign (3). 2 of the submissions do not count toward it. Last evaluated 2025-04-09.

Conditions:
Cardiomyopathy (CMYO). Also called: Cardiomyopathies. Identifiers: Orphanet 167848, MedGen C0878544, MONDO:0004994, HP:0001638. Inheritance: Various modes of inheritance.
Dilated cardiomyopathy 1G (CMD1G). Identifiers: Orphanet 154, MedGen C1858763, MONDO:0011400, OMIM 604145.
Autosomal recessive limb-girdle muscular dystrophy type 2J (LGMDR10). Also called: Limb-girdle muscular dystrophy, type 2J; MUSCULAR DYSTROPHY, LIMB-GIRDLE, AUTOSOMAL RECESSIVE 10. Identifiers: Orphanet 140922, MedGen C1837342, MONDO:0012127, OMIM 608807.

Allele frequency attached by ClinVar (database versions not stated): gnomAD 0.00001; gnomAD exomes 0.00004 and 0.00015; TOPMed 0.00006; ExAC 0.00009.
gnomAD v4.1: 58 of 1,611,444 alleles (0.0036%); highest among the groups gnomAD compares: Admixed American, 0.062%; no homozygotes.

Submissions (10):

Molecular Diagnostic Laboratory for Inherited Cardiovascular Disease, Montreal Heart Institute
Classification: Likely benign. Last evaluated: 2025-04-09. Review status: criteria provided, single submitter. Criteria: ACMG Guidelines, 2015. Collection method: clinical testing. Allele origin: germline. Affected: no.

Women's Health and Genetics/Laboratory Corporation of America, LabCorp
Classification: Uncertain significance. Last evaluated: 2022-06-23. Review status: criteria provided, single submitter. Criteria: LabCorp Variant Classification Summary - May 2015. Collection method: clinical testing. Allele origin: germline.
Comment: Variant summary: TTN c.60491C>T (p.Ser20164Leu) results in a non-conservative amino acid change located in the A-band domain of the encoded protein sequence. Three of five in-silico tools predict a damaging effect of the variant on protein function. The variant allele was found at a frequency of 0.00015 in 247480 control chromosomes. c.60491C>T has been reported in the literature in individuals affected with sudden death with rare idiopathic disease cases or in stillbirth cases without chromosomal abnormalities, without strong evidence for causality (Sahlin_2019, Salfati_2019). These reports do not provide unequivocal conclusions about association of the variant with Limb-Girdle Muscular Dystrophy, Type 2J. To our knowledge, no experimental evidence demonstrating an impact on protein function has been reported. Four clinical diagnostic laboratories have submitted clinical-significance assessments for this variant to ClinVar after 2014 without evidence for independent evaluation. Two submitters classify the variant as VUS while two classify as likely benign. Based on the evidence outlined above, the variant was classified as uncertain significance.

Blueprint Genetics
Classification: Uncertain significance. Last evaluated: 2022-06-13. Review status: criteria provided, single submitter. Criteria: ACMG Guidelines, 2015. Collection method: clinical testing. Allele origin: germline.

Revvity Omics, Revvity
Classification: Uncertain significance. Last evaluated: 2020-02-24. Review status: criteria provided, single submitter. Criteria: ACMG Guidelines, 2015. Collection method: clinical testing. Allele origin: germline.

Center for Advanced Laboratory Medicine, UC San Diego Health, University of California San Diego
Classification: Likely benign for Cardiomyopathy. Last evaluated: 2018-12-14. Review status: criteria provided, single submitter. Criteria: ACMG Guidelines, 2015. Collection method: clinical testing. Allele origin: germline. Affected: yes. Observed: 2 variant alleles.

GeneDx
Classification: Likely benign. Last evaluated: 2017-12-07. Review status: criteria provided, single submitter. Criteria: GeneDx Variant Classification (06012015). Collection method: clinical testing. Allele origin: germline. Affected: yes.
Comment: This variant is considered likely benign or benign based on one or more of the following criteria: it is a conservative change, it occurs at a poorly conserved position in the protein, it is predicted to be benign by multiple in silico algorithms, and/or has population frequency not consistent with disease.

Labcorp Genetics (formerly Invitae), Labcorp
Classification: Uncertain significance for Dilated cardiomyopathy 1G; Autosomal recessive limb-girdle muscular dystrophy type 2J. Last evaluated: 2017-12-01. Review status: criteria provided, single submitter. Criteria: Invitae Variant Classification Sherloc (09022015). Collection method: clinical testing. Allele origin: germline.

Eurofins Ntd Llc (ga)
Classification: Uncertain significance. Last evaluated: 2016-09-01. Review status: criteria provided, single submitter. Criteria: EGL Classification Definitions 2015. Collection method: clinical testing. Allele origin: germline. Observed: 2 variant alleles, 2 heterozygotes.

Joint Genome Diagnostic Labs from Nijmegen and Maastricht, Radboudumc and MUMC+
Classification: Likely benign. Review status: no assertion criteria provided. Collection method: clinical testing. Allele origin: germline. Affected: yes. Study: VKGL Data-share Consensus. Not counted in ClinVar's aggregate classification.

Laboratory of Diagnostic Genome Analysis, Leiden University Medical Center (LUMC)
Classification: Likely benign. Review status: no assertion criteria provided. Collection method: clinical testing. Allele origin: germline. Affected: yes. Study: VKGL Data-share Consensus. Not counted in ClinVar's aggregate classification.

Literature cited by the submitters: PubMed 30615648 (cited by Women's Health and Genetics/Laboratory Corporation of America, LabCorp); PubMed 31847883 (cited by Women's Health and Genetics/Laboratory Corporation of America, LabCorp).

NM_001267550.2(TTN):c.68195C>T (p.Ser22732Leu)

Genes: TTN (titin; minus strand), TTN-AS1 (TTN antisense RNA 1; plus strand), LOC126806423 (CDK7 strongly-dependent group 2 enhancer GRCh37_chr2:179443309-179444508; plus strand). Cytogenetic location: 2q31.2.
Variant type: single nucleotide variant.
Coding change: c.68195C>T on transcript NM_001267550.2 (MANE Select); coding-DNA position 68195, C replaced by T.
Protein change: p.Ser22732Leu; replaces serine 22732 with leucine.
Molecular consequence: missense variant.
Genome position (GRCh38, 1-based): chr2:178,578,835, G>A on the plus strand (C>T on the coding strand, the complement: TTN is on the minus strand). VCF-style: chr2-178578835-G-A. GRCh37 (hg19) VCF-style: chr2-179443562-G-A.
Other names: c.63272C>T, p.Ser21091Leu (NM_001256850.1); c.41000C>T, p.Ser13667Leu (NM_003319.4); c.60491C>T, p.Ser20164Leu (NM_133378.4); c.41375C>T, p.Ser13792Leu (NM_133432.3); c.41576C>T, p.Ser13859Leu (NM_133437.4); short protein forms S22732L, S20164L, S21091L, S13667L, S13792L, S13859L.
Identifiers: ClinVar variation 290366 (VCV000290366.16), dbSNP rs727505352, ClinGen allele CA1991173.